The following is an entry in ClinVar:

ClinVar aggregate classification (germline): Uncertain significance (1 of 4 stars; one submission).

Submission:

Labcorp Genetics (formerly Invitae), Labcorp
Classification: Uncertain significance. Last evaluated: 2024-05-13. Review status: criteria provided, single submitter. Criteria: Invitae Variant Classification Sherloc (09022015). Collection method: clinical testing. Allele origin: germline.
Comment: This sequence change replaces glycine, which is neutral and non-polar, with glutamic acid, which is acidic and polar, at codon 1311 of the DUOX2 protein (p.Gly1311Glu). This variant is not present in population databases (gnomAD no frequency). This variant has not been reported in the literature in individuals affected with DUOX2-related conditions. Advanced modeling of protein sequence and biophysical properties (such as structural, functional, and spatial information, amino acid conservation, physicochemical variation, residue mobility, and thermodynamic stability) performed at Invitae indicates that this missense variant is expected to disrupt DUOX2 protein function with a positive predictive value of 80%. In summary, the available evidence is currently insufficient to determine the role of this variant in disease. Therefore, it has been classified as a Variant of Uncertain Significance.

NM_001363711.2(DUOX2):c.3932G>A (p.Gly1311Glu)

Gene: DUOX2 (dual oxidase 2; minus strand). Cytogenetic location: 15q21.1.
Variant type: single nucleotide variant.
Coding change: c.3932G>A on transcript NM_001363711.2 (MANE Select); coding-DNA position 3932, G replaced by A.
Protein change: p.Gly1311Glu; replaces glycine 1311 with glutamic acid.
Molecular consequence: missense variant.
Genome position (GRCh38, 1-based): chr15:45,095,976, C>T on the plus strand (G>A on the coding strand, the complement: DUOX2 is on the minus strand). VCF-style: chr15-45095976-C-T. GRCh37 (hg19) VCF-style: chr15-45388174-C-T.
Other names: c.3932G>A, p.Gly1311Glu (NM_014080.5); short protein forms G1311E.
Identifiers: ClinVar variation 3653231 (VCV003653231.2).
Genomic context (GRCh38, chr15:45,095,976, plus strand): 5'-AGGCTGAGTGTGTCCTCATGGGGCGCGGAGGTCAGTGTGAAGGGGTGGTACTCGGTGGTC[C>T]CCAGAGCCAGGCAGGCGATCCGCACCCACTGTCCTGACTTGTACTCAAAGCCTTGGGGCC-3'
Protein context (NP_001350640.1, residues 1301-1321): QWVRIACLAL[Gly1311Glu]TTEYHPFTLT